The following is an entry in ClinVar:

ClinVar aggregate classification (germline): Uncertain significance (1 of 4 stars; one submission).

Conditions:
Leigh syndrome (NULS). Also called: Leigh's necrotizing encephalopathy; Leigh's disease; Leigh Syndrome (mtDNA deletion); Leigh Disease; Subacute necrotizing encephalopathy; Necrotizing encephalopathy infantile subacute of Leigh. Identifiers: Orphanet 506, MedGen C2931891, MONDO:0009723, OMIM 256000.

Submission:

Wong Mito Lab, Molecular and Human Genetics, Baylor College of Medicine
Classification: Uncertain significance for Leigh syndrome. Last evaluated: 2019-10-17. Review status: criteria provided, single submitter. Criteria: Modified ACMG Guidelines (Unpublished). Collection method: clinical testing. Allele origin: germline.
Comment: The NC_012920.1:m.9564G>A (YP_003024032.1:p.Gly120Ser) variant in MTCO3 gene is interpretated to be a Uncertain Significance variant based on the modified ACMG guidelines (unpublished). This variant meets the following evidence codes: PP7

NC_012920.1(MT-CO3):m.9564G>A

Gene: MT-CO3 (mitochondrially encoded cytochrome c oxidase III; plus strand).
Variant type: single nucleotide variant.
Genome position: chrM-9564-G-A.
Identifiers: ClinVar variation 693182 (VCV000693182.1), dbSNP rs1603222373, ClinGen allele CA414803223.
Genomic context (GRCh38, chrMT:9,564, plus strand): 5'-GCCTTTTACCACTCCAGCCTAGCCCCTACCCCCCAATTAGGAGGGCACTGGCCCCCAACA[G>A]GCATCACCCCGCTAAATCCCCTAGAAGTCCCACTCCTAAACACATCCGTATTACTCGCAT-3'